The following is an entry in ClinVar:

ClinVar aggregate classification (germline): Uncertain significance (1 of 4 stars; one submission).

Conditions:
Hypertrophic cardiomyopathy. Also called: HYPERTROPHIC MYOCARDIOPATHY. Identifiers: Orphanet 217569, MedGen C0007194, MeSH D002312, MONDO:0005045, HP:0001639.

Submission:

Labcorp Genetics (formerly Invitae), Labcorp
Classification: Uncertain significance for Hypertrophic cardiomyopathy. Last evaluated: 2021-12-08. Review status: criteria provided, single submitter. Criteria: Invitae Variant Classification Sherloc (09022015). Collection method: clinical testing. Allele origin: germline.
Comment: In summary, the available evidence is currently insufficient to determine the role of this variant in disease. Therefore, it has been classified as a Variant of Uncertain Significance. This sequence change replaces glutamic acid, which is acidic and polar, with glutamine, which is neutral and polar, at codon 1186 of the MYH7 protein (p.Glu1186Gln). This variant is not present in population databases (gnomAD no frequency). This variant has not been reported in the literature in individuals affected with MYH7-related conditions. Algorithms developed to predict the effect of missense changes on protein structure and function are either unavailable or do not agree on the potential impact of this missense change (SIFT: "Deleterious"; PolyPhen-2: "Probably Damaging"; Align-GVGD: "Class C0").

NM_000257.4(MYH7):c.3556G>C (p.Glu1186Gln)

Gene: MYH7 (myosin heavy chain 7; minus strand). Cytogenetic location: 14q11.2.
Variant type: single nucleotide variant.
Coding change: c.3556G>C on transcript NM_000257.4 (MANE Select); coding-DNA position 3556, G replaced by C.
Protein change: p.Glu1186Gln; replaces glutamic acid 1186 with glutamine.
Molecular consequence: missense variant.
Genome position (GRCh38, 1-based): chr14:23,420,015, C>G on the plus strand (G>C on the coding strand, the complement: MYH7 is on the minus strand). VCF-style: chr14-23420015-C-G. GRCh37 (hg19) VCF-style: chr14-23889224-C-G.
Other names: short protein forms E1186Q.
Identifiers: ClinVar variation 1396524 (VCV001396524.6), dbSNP rs1290041752, ClinGen allele CA389043492.